The following is an entry in ClinVar:

ClinVar aggregate classification (germline): Uncertain significance (1 of 4 stars; one submission).

gnomAD v4.1: 15 of 1,614,014 alleles (0.00093%); highest among the groups gnomAD compares: East Asian, 0.033%; no homozygotes.

Submission:

Labcorp Genetics (formerly Invitae), Labcorp
Classification: Uncertain significance. Last evaluated: 2025-05-20. Review status: criteria provided, single submitter. Criteria: Invitae Variant Classification Sherloc (09022015). Collection method: clinical testing. Allele origin: germline.
Comment: This sequence change replaces threonine, which is neutral and polar, with arginine, which is basic and polar, at codon 520 of the PLG protein (p.Thr520Arg). The frequency data for this variant in the population databases is considered unreliable, as metrics indicate poor data quality at this position in the gnomAD database. This variant has not been reported in the literature in individuals affected with PLG-related conditions. Invitae Evidence Modeling of protein sequence and biophysical properties (such as structural, functional, and spatial information, amino acid conservation, physicochemical variation, residue mobility, and thermodynamic stability) indicates that this missense variant is not expected to disrupt PLG protein function with a negative predictive value of 80%. In summary, the available evidence is currently insufficient to determine the role of this variant in disease. Therefore, it has been classified as a Variant of Uncertain Significance.

NM_000301.5(PLG):c.1559C>G (p.Thr520Arg)

Gene: PLG (plasminogen; plus strand). Cytogenetic location: 6q26.
Variant type: single nucleotide variant.
Coding change: c.1559C>G on transcript NM_000301.5 (MANE Select); coding-DNA position 1559, C replaced by G.
Protein change: p.Thr520Arg; replaces threonine 520 with arginine.
Molecular consequence: missense variant.
Genome position (GRCh38, 1-based): chr6:160,731,865, C>G. VCF-style: chr6-160731865-C-G. GRCh37 (hg19) VCF-style: chr6-161152897-C-G.
Other names: short protein forms T520R.
Identifiers: ClinVar variation 4749825 (VCV004749825.1).
Genomic context (GRCh38, chr6:160,731,865, plus strand): 5'-CGCCATGCCAGGACTGGGCTGCCCAGGAGCCCCATAGACACAGCATTTTCACTCCAGAGA[C>G]AAATCCACGGGCGGGTCTGGAAAAAAATGTAAGCCACTTTGATTTGGACTCTTTGGCCTT-3'
Protein context (NP_000292.1, residues 510-530): PHRHSIFTPE[Thr520Arg]NPRAGLEKNY